The following is an entry in ClinVar:

NM_001174150.2(ARL13B):c.554G>A (p.Trp185Ter)

Gene: ARL13B (ARF like GTPase 13B; plus strand). Cytogenetic location: 3q11.2.
Variant type: single nucleotide variant.
Coding change: c.554G>A on transcript NM_001174150.2 (MANE Select); coding-DNA position 554, G replaced by A.
Protein change: p.Trp185Ter; replaces tryptophan 185 with a stop codon.
Molecular consequence: nonsense. On other transcripts: non-coding transcript variant (2).
Genome position (GRCh38, 1-based): chr3:94,036,619, G>A. VCF-style: chr3-94036619-G-A. GRCh37 (hg19) VCF-style: chr3-93755463-G-A.
Other names: c.245G>A, p.Trp82Ter (NM_001174151.2); c.509G>A, p.Trp170Ter (NM_001321328.2); c.233G>A, p.Trp78Ter (NM_144996.4); c.554G>A, p.Trp185Ter (NM_182896.3); short protein forms W170*, W78*, W185*, W82*.
Identifiers: ClinVar variation 1418737 (VCV001418737.6), dbSNP rs760756412, ClinGen allele CA2504094.
Genomic context (GRCh38, chr3:94,036,619, plus strand): 5'-GTTCAGCAATCTCGGGGTATGGAAAGAAAATTGACAAGTCCATTAAAAAAGGCCTTTATT[G>A]GCTGCTACATGTTATTGCAAGAGACTTTGATGCCTTAAATGAACGCATCCAAAAAGAGAC-3'

ClinVar aggregate classification (germline): Pathogenic (1 of 4 stars; one submission).

Conditions:
Joubert syndrome 8 (JBTS8). Identifiers: Orphanet 475, MedGen C2676771, MONDO:0012855, OMIM 612291.

Allele frequency attached by ClinVar (database versions not stated): gnomAD exomes below 0.00001; ExAC 0.00001; gnomAD 0.00001.
gnomAD v4.1: 2 of 1,613,756 alleles (0.00012%); highest among the groups gnomAD compares: Admixed American, 0.0017%; no homozygotes.

Submission:

Labcorp Genetics (formerly Invitae), Labcorp
Classification: Pathogenic for Joubert syndrome 8. Last evaluated: 2021-09-05. Review status: criteria provided, single submitter. Criteria: Invitae Variant Classification Sherloc (09022015). Collection method: clinical testing. Allele origin: germline.
Comment: This sequence change creates a premature translational stop signal (p.Trp185*) in the ARL13B gene. It is expected to result in an absent or disrupted protein product. Loss-of-function variants in ARL13B are known to be pathogenic (PMID: 18674751). This variant is present in population databases (rs760756412, ExAC 0.01%). This variant has not been reported in the literature in individuals affected with ARL13B-related conditions. For these reasons, this variant has been classified as Pathogenic.

Literature cited by the submitters: PubMed 18674751.